The following is an entry in ClinVar:

ClinVar aggregate classification (germline): Uncertain significance (1 of 4 stars; one submission).

Allele frequency attached by ClinVar (database versions not stated): gnomAD exomes below 0.00001.
gnomAD v4.1: 1 of 1,612,972 alleles (0.000062%); no homozygotes.

Submission:

Labcorp Genetics (formerly Invitae), Labcorp
Classification: Uncertain significance. Last evaluated: 2023-12-13. Review status: criteria provided, single submitter. Criteria: Invitae Variant Classification Sherloc (09022015). Collection method: clinical testing. Allele origin: germline.
Comment: This sequence change creates a premature translational stop signal (p.Arg330*) in the SRP54 gene. It is expected to result in an absent or disrupted protein product. However, the current clinical and genetic evidence is not sufficient to establish whether loss-of-function variants in SRP54 cause disease. This variant is not present in population databases (gnomAD no frequency). This variant has not been reported in the literature in individuals affected with SRP54-related conditions. Algorithms developed to predict the effect of sequence changes on RNA splicing suggest that this variant may disrupt the consensus splice site. In summary, the available evidence is currently insufficient to determine the role of this variant in disease. Therefore, it has been classified as a Variant of Uncertain Significance.

NM_003136.4(SRP54):c.988C>T (p.Arg330Ter)

Gene: SRP54 (signal recognition particle 54; plus strand). Cytogenetic location: 14q13.2.
Variant type: single nucleotide variant.
Coding change: c.988C>T on transcript NM_003136.4 (MANE Select); coding-DNA position 988, C replaced by T.
Protein change: p.Arg330Ter; replaces arginine 330 with a stop codon.
Molecular consequence: nonsense.
Genome position (GRCh38, 1-based): chr14:35,018,706, C>T. VCF-style: chr14-35018706-C-T. GRCh37 (hg19) VCF-style: chr14-35487912-C-T.
Other names: c.841C>T, p.Arg281Ter (NM_001146282.2); c.988C>T, p.Arg330Ter (NM_001411017.1); short protein forms R330*, R281*.
Identifiers: ClinVar variation 2702632 (VCV002702632.3), dbSNP rs2502777279, ClinGen allele CA389446885.